The following is an entry in ClinVar:

ClinVar aggregate classification (germline): Likely benign (1 of 4 stars; one submission).

Allele frequency attached by ClinVar (database versions not stated): 1000 Genomes Project 30x 0.00031; gnomAD 0.00381.
gnomAD v4.1: 1,944 of 792,550 alleles (0.25%); highest among the groups gnomAD compares: Non-Finnish European, 0.3%; 183 homozygotes.

Submission:

CeGaT Center for Human Genetics Tuebingen
Classification: Likely benign. Last evaluated: 2023-03-01. Review status: criteria provided, single submitter. Criteria: CeGaT Center For Human Genetics Tuebingen Variant Classification Criteria Version 2. Collection method: clinical testing. Allele origin: germline. Affected: yes. Observed: 2 variant alleles.
Comment: CFHR1: BS2

NM_002113.3(CFHR1):c.607+123G>T

Gene: CFHR1 (complement factor H related 1; plus strand). Cytogenetic location: 1q31.3.
Variant type: single nucleotide variant.
Coding change: c.607+123G>T on transcript NM_002113.3 (MANE Select); 123 bases into the intron after coding-DNA position 607, G replaced by T.
Molecular consequence: intron variant.
Genome position (GRCh38, 1-based): chr1:196,828,369, G>T. VCF-style: chr1-196828369-G-T. GRCh37 (hg19) VCF-style: chr1-196797499-G-T.
Other names: c.403+123G>T (NM_001379311.1); c.556+123G>T (NM_001379306.1); c.445+123G>T (NM_001379307.1); c.442+123G>T (NM_001379308.1); c.439+123G>T (NM_001379309.1); c.412+123G>T (NM_001379310.1); c.364+123G>T (NM_001379312.1).
Identifiers: ClinVar variation 2639694 (VCV002639694.24), dbSNP rs533506641, ClinGen allele CA35826106.